The following is an entry in ClinVar:

ClinVar aggregate classification (germline): Uncertain significance (1 of 4 stars; one submission).

Conditions:
Hereditary breast ovarian cancer syndrome. Also called: Hereditary breast and ovarian cancer syndrome; Hereditary breast and ovarian cancer syndrome (HBOC); BRCA1- and BRCA2-Associated Hereditary Breast and Ovarian Cancer; Hereditary breast and ovarian cancer; Breast and ovarian cancer; Hereditary breast and/or ovarian cancer syndrome. Identifiers: Orphanet 145, MedGen C0677776, MeSH D061325, MONDO:0003582. Disease mechanism: loss of function.

Submission:

Labcorp Genetics (formerly Invitae), Labcorp
Classification: Uncertain significance for Hereditary breast ovarian cancer syndrome. Last evaluated: 2024-05-21. Review status: criteria provided, single submitter. Criteria: Invitae Variant Classification Sherloc (09022015). Collection method: clinical testing. Allele origin: germline.
Comment: This sequence change replaces alanine, which is neutral and non-polar, with aspartic acid, which is acidic and polar, at codon 1206 of the BRCA1 protein (p.Ala1206Asp). This variant is not present in population databases (gnomAD no frequency). This variant has not been reported in the literature in individuals affected with BRCA1-related conditions. Advanced modeling of protein sequence and biophysical properties (such as structural, functional, and spatial information, amino acid conservation, physicochemical variation, residue mobility, and thermodynamic stability) performed at Invitae indicates that this missense variant is not expected to disrupt BRCA1 protein function with a negative predictive value of 95%. In summary, the available evidence is currently insufficient to determine the role of this variant in disease. Therefore, it has been classified as a Variant of Uncertain Significance.

NM_007294.4(BRCA1):c.3617C>A (p.Ala1206Asp)

Genes: BRCA1 (BRCA1 DNA repair associated; minus strand), LOC126862571 (BRD4-independent group 4 enhancer GRCh37_chr17:41243136-41244335; plus strand). Cytogenetic location: 17q21.31.
Variant type: single nucleotide variant.
Coding change: c.3617C>A on transcript NM_007294.4 (MANE Select); coding-DNA position 3617, C replaced by A.
Protein change: p.Ala1206Asp; replaces alanine 1206 with aspartic acid.
Molecular consequence: missense variant. On other transcripts: intron variant (135).
Genome position (GRCh38, 1-based): chr17:43,091,914, G>T on the plus strand (C>A on the coding strand, the complement: BRCA1 is on the minus strand). VCF-style: chr17-43091914-G-T. GRCh37 (hg19) VCF-style: chr17-41243931-G-T.
Other names: c.665-882C>A (NM_001408437.1, NM_001408429.1, NM_001408442.1 and 12 more transcripts); c.788-882C>A (NM_001407979.1, NM_001407977.1, NM_001407982.1 and 17 more transcripts); c.647-882C>A (NM_001408410.1, NM_001408458.1, NM_001408469.1 and 11 more transcripts); c.710-882C>A (NM_001408415.1, NM_001408412.1, NM_001408409.1 and 2 more transcripts); c.578-882C>A (NM_001408483.1, NM_001408481.1, NM_001408480.1 and 9 more transcripts); c.3617C>A, p.Ala1206Asp (NM_001407583.1, NM_001407585.1, NM_001407593.1 and 30 more transcripts); c.3614C>A, p.Ala1205Asp (NM_001407587.1, NM_001407590.1, NM_001407591.1 and 22 more transcripts); c.3404C>A, p.Ala1135Asp (NM_001407571.1, NM_001407853.1, NM_001407894.1 and 9 more transcripts); and 41 more; short protein forms A1079D, A1094D, A1135D, A1136D, A1139D, A338D, A1038D, A1078D.
Identifiers: ClinVar variation 3634646 (VCV003634646.2).